The following is an entry in ClinVar:

ClinVar aggregate classification (germline): Benign/Likely benign. Review status: criteria provided, multiple submitters, no conflicts (2 of 4 stars). 3 submissions from 3 submitters: Benign (1); Likely benign (1). 1 of the submissions does not count toward it. Last evaluated 2026-01-17.

Conditions:
BLNK-related disorder. Also called: BLNK-related condition.
Agammaglobulinemia 4, autosomal recessive (AGM4). Also called: B cell linker protein deficiency; AGAMMAGLOBULINEMIA, AUTOSOMAL RECESSIVE, DUE TO BLNK DEFECT. Identifiers: MedGen C3150752, MONDO:0013289, OMIM 613502.

Allele frequency attached by ClinVar (database versions not stated): gnomAD exomes 0.00029 and 0.00077; ExAC 0.00105; gnomAD 0.00302; TOPMed 0.00374; ESP Exome Variant Server 0.00392; 1000 Genomes Project 0.00559; 1000 Genomes Project 30x 0.00562.
gnomAD v4.1: 993 of 1,614,240 alleles (0.062%); highest among the groups gnomAD compares: African/African-American, 1.2%; 4 homozygotes.

Submissions (3):

Labcorp Genetics (formerly Invitae), Labcorp
Classification: Benign for Agammaglobulinemia 4, autosomal recessive. Last evaluated: 2026-01-17. Review status: criteria provided, single submitter. Criteria: Invitae Variant Classification Sherloc (09022015). Collection method: clinical testing. Allele origin: germline.

Blueprint Genetics
Classification: Likely benign. Last evaluated: 2024-11-27. Review status: criteria provided, single submitter. Criteria: ACMG Guidelines, 2015. Collection method: clinical testing. Allele origin: germline.

PreventionGenetics, part of Exact Sciences
Classification: Benign for BLNK-related condition. Last evaluated: 2023-12-04. Review status: no assertion criteria provided. Collection method: clinical testing. Allele origin: germline. Not counted in ClinVar's aggregate classification.
Comment: This variant is classified as benign based on ACMG/AMP sequence variant interpretation guidelines (Richards et al. 2015 PMID: 25741868, with internal and published modifications).

NM_013314.4(BLNK):c.270G>A (p.Glu90=)

Gene: BLNK (B cell linker; minus strand). Cytogenetic location: 10q24.1.
Variant type: single nucleotide variant.
Coding change: c.270G>A on transcript NM_013314.4 (MANE Select); coding-DNA position 270, G replaced by A.
Protein change: p.Glu90=; no amino-acid change (glutamic acid 90 retained).
Molecular consequence: synonymous variant. On other transcripts: non-coding transcript variant (4).
Genome position (GRCh38, 1-based): chr10:96,227,501, C>T on the plus strand (G>A on the coding strand, the complement: BLNK is on the minus strand). VCF-style: chr10-96227501-C-T. GRCh37 (hg19) VCF-style: chr10-97987257-C-T.
Other names: c.270G>A, p.Glu90= (NM_001114094.2, NM_001258440.2, NM_001258441.2 and 1 more transcripts).
Identifiers: ClinVar variation 471479 (VCV000471479.15), dbSNP rs17111469, ClinGen allele CA5623522.